The following is an entry in ClinVar:

NM_001673.5(ASNS):c.2T>C (p.Met1Thr)

Genes: ASNS (asparagine synthetase (glutamine-hydrolyzing); minus strand), CZ1P-ASNS (CZ1P-ASNS readthrough; minus strand). Cytogenetic location: 7q21.3.
Variant type: single nucleotide variant.
Coding change: c.2T>C on transcript NM_001673.5 (MANE Select); coding-DNA position 2, T replaced by C.
Protein change: p.Met1Thr; changes the start codon (methionine 1).
Molecular consequence: missense variant, initiator codon variant. On other transcripts: non-coding transcript variant (1), intron variant (3).
Genome position (GRCh38, 1-based): chr7:97,869,155, A>G on the plus strand (T>C on the coding strand, the complement: ASNS is on the minus strand). VCF-style: chr7-97869155-A-G. GRCh37 (hg19) VCF-style: chr7-97498467-A-G.
Other names: c.2T>C, p.Met1Thr (NM_001352496.2, NM_133436.3, NM_183356.4); c.-1+3196T>C (NM_001178076.2); c.-12-50T>C (NM_001178075.2); c.-1+2886T>C (NM_001178077.1); short protein forms M1T.
Identifiers: ClinVar variation 992845 (VCV000992845.8), dbSNP rs1562823624, ClinGen allele CA368274639.

ClinVar aggregate classification (germline): Conflicting classifications of pathogenicity. Review status: criteria provided, conflicting classifications (1 of 4 stars). 4 submissions from 4 submitters: Pathogenic (2); Likely pathogenic (1); Uncertain significance (1). Last evaluated 2026-04-15.

Conditions:
Congenital microcephaly - severe encephalopathy - progressive cerebral atrophy syndrome. Also called: ASNS DEFICIENCY; Asparagine synthetase deficiency. Identifiers: Orphanet 391376, MedGen C3809971, MONDO:0014258, OMIM 615574.

Allele frequency attached by ClinVar (database versions not stated): gnomAD exomes 0.00001.

Submissions (4):

Dasa
Classification: Uncertain significance. Last evaluated: 2026-04-15. Review status: criteria provided, single submitter. Criteria: DASA Assertion Criteria. Collection method: clinical testing. Allele origin: germline.
Comment: NM_001673.5(ASNS):c.2T>C (p.Met1?) is a start-loss variant predicted to alter the translation initiation codon and impair normal protein translation. This variant is rare in population databases. The currently available literature and clinical evidence are not sufficient to establish a definitive association between this variant and the reported condition. Therefore, this variant is classified as a variant of uncertain significance.

Natera, Inc.
Classification: Likely pathogenic for Asparagine synthetase deficiency. Last evaluated: 2025-09-08. Review status: criteria provided, single submitter. Criteria: Natera Variant Classification Schema (03/2026). Collection method: clinical testing. Allele origin: germline.
Comment: The c.2T>C variant in ASNS is predicted to result in start loss due to disruption of the initiator methionine. This variant is expected to result in nonsense mediated decay, truncation, or a dysfunctional protein product. This variant is rare in the general population with a frequency below the threshold expected for the associated phenotype(s). Given the available evidence, this variant is classified as Likely Pathogenic.

Labcorp Genetics (formerly Invitae), Labcorp
Classification: Pathogenic. Last evaluated: 2022-10-29. Review status: criteria provided, single submitter. Criteria: Invitae Variant Classification Sherloc (09022015). Collection method: clinical testing. Allele origin: germline.
Comment: For these reasons, this variant has been classified as Pathogenic. This variant disrupts a region of the ASNS protein in which other variant(s) (p.Ala6Glu) have been determined to be pathogenic (PMID: 24139043). This suggests that this is a clinically significant region of the protein, and that variants that disrupt it are likely to be disease-causing. ClinVar contains an entry for this variant (Variation ID: 992845). This variant has not been reported in the literature in individuals affected with ASNS-related conditions. This variant is not present in population databases (gnomAD no frequency). This sequence change affects the initiator methionine of the ASNS mRNA. The next in-frame methionine is located at codon 22.

Laboratoire de Génétique Moléculaire, CHU Bordeaux
Classification: Pathogenic. Review status: criteria provided, single submitter. Criteria: ACMG Guidelines, 2015. Collection method: clinical testing. Allele origin: germline. Affected: yes.

Literature cited by the submitters: PubMed 24139043 (cited by Labcorp Genetics (formerly Invitae), Labcorp).